The following is an entry in ClinVar:

ClinVar aggregate classification (germline): Benign. Review status: criteria provided, multiple submitters, no conflicts (2 of 4 stars). 3 submissions from 3 submitters: Benign (3). Last evaluated 2026-03-04.

Conditions:
KLC2-related disorder. Also called: KLC2-related condition.

Allele frequency attached by ClinVar (database versions not stated): gnomAD exomes 0.00192 and 0.00511; ExAC 0.00639; gnomAD 0.02047 and 0.02186; ESP Exome Variant Server 0.02217; TOPMed 0.02257; 1000 Genomes Project 30x 0.02374; 1000 Genomes Project 0.02436.
gnomAD v4.1: 6,017 of 1,614,172 alleles (0.37%); highest among the groups gnomAD compares: African/African-American, 7.2%; 223 homozygotes.

Submissions (3):

PreventionGenetics, part of Exact Sciences
Classification: Benign for KLC2-related condition. Last evaluated: 2026-03-04. Review status: criteria provided, single submitter. Criteria: ACMG Guidelines, 2015. Collection method: clinical testing. Allele origin: germline.
Comment: This variant is classified as benign based on ACMG/AMP sequence variant interpretation guidelines (Richards et al. 2015 PMID: 25741868, with internal and published modifications).

Labcorp Genetics (formerly Invitae), Labcorp
Classification: Benign. Last evaluated: 2026-01-26. Review status: criteria provided, single submitter. Criteria: Invitae Variant Classification Sherloc (09022015). Collection method: clinical testing. Allele origin: germline.

Breakthrough Genomics
Classification: Benign. Review status: criteria provided, single submitter. Criteria: ACMG Guidelines, 2015. Collection method: not provided. Allele origin: germline. Inheritance: Autosomal recessive inheritance. Affected: yes.

NM_001318734.2(KLC2):c.921G>A (p.Arg307=)

Genes: KLC2 (kinesin light chain 2; plus strand), KLC2-AS1 (KLC2 antisense RNA 1; minus strand). Cytogenetic location: 11q13.2.
Variant type: single nucleotide variant.
Coding change: c.921G>A on transcript NM_001318734.2 (MANE Select); coding-DNA position 921, G replaced by A.
Protein change: p.Arg307=; no amino-acid change (arginine 307 retained).
Molecular consequence: synonymous variant.
Genome position (GRCh38, 1-based): chr11:66,263,931, G>A. VCF-style: chr11-66263931-G-A. GRCh37 (hg19) VCF-style: chr11-66031402-G-A.
Other names: c.690G>A (NM_001134774.1); c.690G>A, p.Arg230= (NM_001134774.2); c.921G>A, p.Arg307= (NM_001134775.2, NM_001134776.2, NM_022822.3).
Identifiers: ClinVar variation 785357 (VCV000785357.12), dbSNP rs79498438, ClinGen allele CA6117246.